The following is an entry in ClinVar:

NM_017813.5(BPNT2):c.*1276A>G

Gene: BPNT2 (3'(2'), 5'-bisphosphate nucleotidase 2; minus strand). Cytogenetic location: 8q12.1.
Variant type: single nucleotide variant.
Coding change: c.*1276A>G on transcript NM_017813.5 (MANE Select); 1276 bases downstream of the stop codon, A replaced by G.
Molecular consequence: 3 prime UTR variant.
Genome position (GRCh38, 1-based): chr8:56,962,517, T>C on the plus strand (A>G on the coding strand, the complement: BPNT2 is on the minus strand). VCF-style: chr8-56962517-T-C. GRCh37 (hg19) VCF-style: chr8-57875076-T-C.
Identifiers: ClinVar variation 363384 (VCV000363384.5), dbSNP rs75984016, ClinGen allele CA10628035.

ClinVar aggregate classification (germline): Likely benign (1 of 4 stars; one submission).

Conditions:
Chondrodysplasia with joint dislocations, gPAPP type. Also called: GPAPP DEFICIENCY. Identifiers: Orphanet 280586, MedGen C3279757, MONDO:0013561, OMIM 614078.

Allele frequency attached by ClinVar (database versions not stated): 1000 Genomes Project 0.00319; 1000 Genomes Project 30x 0.00344; gnomAD 0.00373 and 0.00408; TOPMed 0.00395.

Submission:

Illumina Laboratory Services, Illumina
Classification: Likely benign for Chondrodysplasia with joint dislocations, gPAPP type. Last evaluated: 2018-01-13. Review status: criteria provided, single submitter. Criteria: ICSL Variant Classification Criteria 13 December 2019. Collection method: clinical testing. Allele origin: germline.
Comment: This variant was observed in the ICSL laboratory as part of a predisposition screen in an ostensibly healthy population. It had not been previously curated by ICSL or reported in the Human Gene Mutation Database (HGMD: prior to June 1st, 2018), and was therefore a candidate for classification through an automated scoring system. Utilizing variant allele frequency, disease prevalence and penetrance estimates, and inheritance mode, an automated score was calculated to assess if this variant is too frequent to cause the disease. Based on the score and internal cut-off values, a variant classified as likely benign is not then subjected to further curation. The score for this variant resulted in a classification of likely benign for this disease.